The following is an entry in ClinVar:

NM_001039591.3(USP9X):c.3856T>C (p.Cys1286Arg)

Gene: USP9X (ubiquitin specific peptidase 9 X-linked; plus strand). Cytogenetic location: Xp11.4.
Variant type: single nucleotide variant.
Coding change: c.3856T>C on transcript NM_001039591.3 (MANE Select); coding-DNA position 3856, T replaced by C.
Protein change: p.Cys1286Arg; replaces cysteine 1286 with arginine.
Molecular consequence: missense variant.
Genome position (GRCh38, 1-based): chrX:41,189,354, T>C. VCF-style: chrX-41189354-T-C. GRCh37 (hg19) VCF-style: chrX-41048607-T-C.
Other names: c.3856T>C, p.Cys1286Arg (NM_001039590.3); c.3871T>C, p.Cys1291Arg (NM_001410748.1, NM_001410749.1); short protein forms C1286R, C1291R.
Identifiers: ClinVar variation 4056004 (VCV004056004.1).

ClinVar aggregate classification (germline): Uncertain significance (1 of 4 stars; one submission).

Submission:

GeneDx
Classification: Uncertain significance. Last evaluated: 2025-01-03. Review status: criteria provided, single submitter. Criteria: GeneDx Variant Classification Process June 2021. Collection method: clinical testing. Allele origin: germline. Affected: yes.
Comment: Not observed at significant frequency in large population cohorts (gnomAD); In silico analysis indicates that this missense variant does not alter protein structure/function; Has not been previously published as pathogenic or benign to our knowledge